The following is an entry in ClinVar:

NM_016562.4(TLR7):c.2135C>G (p.Thr712Ser)

Gene: TLR7 (toll like receptor 7; plus strand). Cytogenetic location: Xp22.2.
Variant type: single nucleotide variant.
Coding change: c.2135C>G on transcript NM_016562.4 (MANE Select); coding-DNA position 2135, C replaced by G.
Protein change: p.Thr712Ser; replaces threonine 712 with serine.
Molecular consequence: missense variant.
Genome position (GRCh38, 1-based): chrX:12,887,643, C>G. VCF-style: chrX-12887643-C-G. GRCh37 (hg19) VCF-style: chrX-12905762-C-G.
Other names: short protein forms T712S.
Identifiers: ClinVar variation 2114251 (VCV002114251.4), dbSNP rs370146006, ClinGen allele CA10350061.

ClinVar aggregate classification (germline): Uncertain significance (1 of 4 stars; one submission).

Submission:

Labcorp Genetics (formerly Invitae), Labcorp
Classification: Uncertain significance. Last evaluated: 2023-12-24. Review status: criteria provided, single submitter. Criteria: Invitae Variant Classification Sherloc (09022015). Collection method: clinical testing. Allele origin: germline.
Comment: This sequence change replaces threonine, which is neutral and polar, with serine, which is neutral and polar, at codon 712 of the TLR7 protein (p.Thr712Ser). This variant is present in population databases (rs370146006, gnomAD 0.004%). This variant has not been reported in the literature in individuals affected with TLR7-related conditions. ClinVar contains an entry for this variant (Variation ID: 2114251). Algorithms developed to predict the effect of missense changes on protein structure and function output the following: SIFT: "Not Available"; PolyPhen-2: "Benign"; Align-GVGD: "Not Available". The serine amino acid residue is found in multiple mammalian species, which suggests that this missense change does not adversely affect protein function. In summary, the available evidence is currently insufficient to determine the role of this variant in disease. Therefore, it has been classified as a Variant of Uncertain Significance.